The following is an entry in ClinVar:

NM_001144967.3(NEDD4L):c.766A>G (p.Ser256Gly)

Gene: NEDD4L (NEDD4 like E3 ubiquitin protein ligase; plus strand). Cytogenetic location: 18q21.31.
Variant type: single nucleotide variant.
Coding change: c.766A>G on transcript NM_001144967.3 (MANE Select); coding-DNA position 766, A replaced by G.
Protein change: p.Ser256Gly; replaces serine 256 with glycine.
Molecular consequence: missense variant.
Genome position (GRCh38, 1-based): chr18:58,329,080, A>G. VCF-style: chr18-58329080-A-G. GRCh37 (hg19) VCF-style: chr18-55996312-A-G.
Other names: c.403A>G, p.Ser135Gly (NM_001144964.1, NM_001144965.2, NM_001144966.3 and 2 more transcripts); c.742A>G, p.Ser248Gly (NM_001144968.2, NM_001144969.2); c.766A>G, p.Ser256Gly (NM_001243960.2, NM_015277.6); short protein forms S248G, S256G, S135G.
Identifiers: ClinVar variation 1510876 (VCV001510876.6), dbSNP rs2059568719, ClinGen allele CA402554538.
Genomic context (GRCh38, chr18:58,329,080, plus strand): 5'-AACATCAGACAGATCAACCAGGAGGCAGCACACCGGCGCTTCCGCTCCCGCAGGCACATC[A>G]GCGAAGACTTGGAGCCCGAGCCCTCGGAGGGCGGGGATGTCCCCGAGGTACGATGTCCCC-3'
Protein context (NP_001138439.1, residues 246-266): HRRFRSRRHI[Ser256Gly]EDLEPEPSEG

ClinVar aggregate classification (germline): Uncertain significance (1 of 4 stars; one submission).

Allele frequency attached by ClinVar (database versions not stated): gnomAD exomes below 0.00001; TOPMed 0.00001.
gnomAD v4.1: 2 of 1,614,032 alleles (0.00012%); highest among the groups gnomAD compares: Non-Finnish European, 0.00017%; no homozygotes.

Submission:

Labcorp Genetics (formerly Invitae), Labcorp
Classification: Uncertain significance. Last evaluated: 2023-11-10. Review status: criteria provided, single submitter. Criteria: Invitae Variant Classification Sherloc (09022015). Collection method: clinical testing. Allele origin: germline.
Comment: This sequence change replaces serine, which is neutral and polar, with glycine, which is neutral and non-polar, at codon 256 of the NEDD4L protein (p.Ser256Gly). This variant is not present in population databases (gnomAD no frequency). This variant has not been reported in the literature in individuals affected with NEDD4L-related conditions. ClinVar contains an entry for this variant (Variation ID: 1510876). Advanced modeling of protein sequence and biophysical properties (such as structural, functional, and spatial information, amino acid conservation, physicochemical variation, residue mobility, and thermodynamic stability) performed at Invitae indicates that this missense variant is not expected to disrupt NEDD4L protein function with a negative predictive value of 80%. In summary, the available evidence is currently insufficient to determine the role of this variant in disease. Therefore, it has been classified as a Variant of Uncertain Significance.